The following is an entry in ClinVar:

NM_018990.4(SASH3):c.329C>G (p.Ser110Cys)

Gene: SASH3 (SAM and SH3 domain containing 3; plus strand). Cytogenetic location: Xq26.1.
Variant type: single nucleotide variant.
Coding change: c.329C>G on transcript NM_018990.4 (MANE Select); coding-DNA position 329, C replaced by G.
Protein change: p.Ser110Cys; replaces serine 110 with cysteine.
Molecular consequence: missense variant.
Genome position (GRCh38, 1-based): chrX:129,790,968, C>G. VCF-style: chrX-129790968-C-G. GRCh37 (hg19) VCF-style: chrX-128924944-C-G.
Other names: short protein forms S110C.
Identifiers: ClinVar variation 3775104 (VCV003775104.1).

ClinVar aggregate classification (germline): Uncertain significance (1 of 4 stars; one submission).

Conditions:
Immunodeficiency 102. Identifiers: Orphanet 653751, MedGen C5676886, MONDO:0024781, OMIM 301082.

Submission:

Center for Precision Genome Editing and Genetic Technologies for Biomedicine, Pirogov Russian National Research Medical University
Classification: Uncertain significance for Immunodeficiency 102. Review status: criteria provided, single submitter. Criteria: ACMG Guidelines, 2015. Collection method: clinical testing. Allele origin: unknown. Inheritance: X-linked recessive inheritance. Affected: yes. Observed: 1 hemizygote.
Comment: SASH3(NM_018990.4):c.329C>G (p.Ser110Cys) This is a missense variant that results in an amino acid substitution. This variant has not been observed in control samples or in patients with Immunodeficiency 102 (OMIM: 301082), fulfilling the PM2 criterion. Additionally, the description of the proband is very similar to clinical cases described, hence the PP4 criterion applies. Based on the applied ACMG/AMP criteria (PM2, PP4), this variant is classified as a Variant of Uncertain Significance (VUS) Immunodeficiency 102 (OMIM: 301082)